The following is an entry in ClinVar:

NM_000051.4(ATM):c.4819C>G (p.Pro1607Ala)

Gene: ATM (ATM serine/threonine kinase; plus strand). Cytogenetic location: 11q22.3.
Variant type: single nucleotide variant.
Coding change: c.4819C>G on transcript NM_000051.4 (MANE Select); coding-DNA position 4819, C replaced by G.
Protein change: p.Pro1607Ala; replaces proline 1607 with alanine.
Molecular consequence: missense variant.
Genome position (GRCh38, 1-based): chr11:108,294,969, C>G. VCF-style: chr11-108294969-C-G. GRCh37 (hg19) VCF-style: chr11-108165696-C-G.
Other names: c.4819C>G, p.Pro1607Ala (NM_001351834.2); short protein forms P1607A.
Identifiers: ClinVar variation 2734270 (VCV002734270.3), dbSNP rs1178015475, ClinGen allele CA382536664.

ClinVar aggregate classification (germline): Uncertain significance (1 of 4 stars; one submission).

Conditions:
Ataxia-telangiectasia syndrome (AT). Also called: Cerebello-oculocutaneous telangiectasia; Immunodeficiency with ataxia telangiectasia; Ataxia telangiectasia (A-T); Ataxia-telangiectasia, complementation group E; LOUIS-BAR SYNDROME; Ataxia-telangiectasia, complementation group D. Identifiers: Orphanet 100, MedGen C0004135, MONDO:0008840, OMIM 208900.

Allele frequency attached by ClinVar (database versions not stated): gnomAD exomes below 0.00001.
gnomAD v4.1: 1 of 1,613,780 alleles (0.000062%); highest among the groups gnomAD compares: Non-Finnish European, 0.000085%; no homozygotes.

Submission:

Labcorp Genetics (formerly Invitae), Labcorp
Classification: Uncertain significance for Ataxia-telangiectasia syndrome. Last evaluated: 2025-06-06. Review status: criteria provided, single submitter. Criteria: Invitae Variant Classification Sherloc (09022015). Collection method: clinical testing. Allele origin: germline.
Comment: This sequence change replaces proline, which is neutral and non-polar, with alanine, which is neutral and non-polar, at codon 1607 of the ATM protein (p.Pro1607Ala). This variant is not present in population databases (gnomAD no frequency). This variant has not been reported in the literature in individuals affected with ATM-related conditions. ClinVar contains an entry for this variant (Variation ID: 2734270). Invitae Evidence Modeling of protein sequence and biophysical properties (such as structural, functional, and spatial information, amino acid conservation, physicochemical variation, residue mobility, and thermodynamic stability) indicates that this missense variant is not expected to disrupt ATM protein function with a negative predictive value of 95%. In summary, the available evidence is currently insufficient to determine the role of this variant in disease. Therefore, it has been classified as a Variant of Uncertain Significance.